The following is an entry in ClinVar:

NM_000091.5(COL4A3):c.4812C>G (p.Cys1604Trp)

Genes: COL4A3 (collagen type IV alpha 3 chain; plus strand), MFF-DT (MFF divergent transcript; minus strand). Cytogenetic location: 2q36.3.
Variant type: single nucleotide variant.
Coding change: c.4812C>G on transcript NM_000091.5 (MANE Select); coding-DNA position 4812, C replaced by G.
Protein change: p.Cys1604Trp; replaces cysteine 1604 with tryptophan.
Molecular consequence: missense variant.
Genome position (GRCh38, 1-based): chr2:227,310,832, C>G. VCF-style: chr2-227310832-C-G. GRCh37 (hg19) VCF-style: chr2-228175548-C-G.
Other names: short protein forms C1604W.
Identifiers: ClinVar variation 423235 (VCV000423235.2), dbSNP rs1064796314, ClinGen allele CA16617489.
Genomic context (GRCh38, chr2:227,310,832, plus strand): 5'-GTAGTTCACAAGTGCAGGTTCTGAGGGCACCGGGCAAGCACTGGCCTCCCCTGGCTCCTG[C>G]CTGGAAGAATTCCGAGCCAGCCCATTTCTAGAATGTCATGGAAGAGGAACGTGCAACTAC-3'
Protein context (NP_000082.2, residues 1594-1614): TGQALASPGS[Cys1604Trp]LEEFRASPFL

ClinVar aggregate classification (germline): Uncertain significance (1 of 4 stars; one submission).

Submission:

GeneDx
Classification: Uncertain significance. Last evaluated: 2017-11-09. Review status: criteria provided, single submitter. Criteria: GeneDx Variant Classification (06012015). Collection method: clinical testing. Allele origin: germline. Affected: yes.
Comment: The C1604W variant in the COL4A3 gene has not been reported previously as a pathogenic variant, nor as a benign variant, to our knowledge. The C1604W variant is not observed in large population cohorts (Lek et al., 2016; 1000 Genomes Consortium et al., 2015; Exome Variant Server). (Lek et al., 2016; 1000 Genomes Consortium et al., 2015; Exome Variant Server). The C1604W variant is a non-conservative amino acid substitution, which occurs at a position that is conserved across species. In silico analysis predicts this variant is probably damaging to the protein structure/function. We interpret C1604W as a variant of uncertain significance.